The following is an entry in ClinVar:

NM_206933.4(USH2A):c.5298+1G>T

Genes: USH2A (usherin; minus strand), USH2A-AS2 (USH2A antisense RNA 2; plus strand). Cytogenetic location: 1q41.
Variant type: single nucleotide variant.
Coding change: c.5298+1G>T on transcript NM_206933.4 (MANE Select); the canonical splice donor site of the intron after coding-DNA position 5298, G replaced by T.
Molecular consequence: splice donor variant.
Genome position (GRCh38, 1-based): chr1:216,083,455, C>A on the plus strand (G>T on the coding strand, the complement: USH2A is on the minus strand). VCF-style: chr1-216083455-C-A. GRCh37 (hg19) VCF-style: chr1-216256797-C-A.
Identifiers: ClinVar variation 2124567 (VCV002124567.5), dbSNP rs769145218, ClinGen allele CA1395489.
Genomic context (GRCh38, chr1:216,083,455, plus strand): 5'-TATTTATTTTAAAGTTGGGTCCTATATTTTAAAGTAATTTTAATCAAATTAATTCACATA[C>A]AGCAAGAAAATCAGGTCCATCTTTGTTATAAACGAAAAGAAGCAATCCATTTAATTGGTC-3'

ClinVar aggregate classification (germline): Likely pathogenic. Review status: criteria provided, multiple submitters, no conflicts (2 of 4 stars). 2 submissions from 2 submitters: Likely pathogenic (2). Last evaluated 2022-04-12.

Conditions:
USH2A-related disorder. Also called: USH2A-related condition; USH2A-related disorders. Identifiers: MedGen CN239332.

Allele frequency attached by ClinVar (database versions not stated): ExAC 0.00001.
gnomAD v4.1: 5 of 1,610,640 alleles (0.00031%); highest among the groups gnomAD compares: Non-Finnish European, 0.00042%; no homozygotes.

Submissions (2):

Labcorp Genetics (formerly Invitae), Labcorp
Classification: Likely pathogenic. Last evaluated: 2022-04-12. Review status: criteria provided, single submitter. Criteria: Invitae Variant Classification Sherloc (09022015). Collection method: clinical testing. Allele origin: germline.
Comment: This variant is present in population databases (rs769145218, gnomAD 0.0009%). This sequence change affects a donor splice site in intron 26 of the USH2A gene. It is expected to disrupt RNA splicing. Variants that disrupt the donor or acceptor splice site typically lead to a loss of protein function (PMID: 16199547), and loss-of-function variants in USH2A are known to be pathogenic (PMID: 10729113, 10909849, 20507924, 25649381). Disruption of this splice site has been observed in individual(s) with USH2A-related conditions (PMID: 17085681, 20497194). In summary, the currently available evidence indicates that the variant is pathogenic, but additional data are needed to prove that conclusively. Therefore, this variant has been classified as Likely Pathogenic. Algorithms developed to predict the effect of sequence changes on RNA splicing suggest that this variant may disrupt the consensus splice site. This variant is also known as IVS26+1C>G.

Blueprint Genetics
Classification: Likely pathogenic for USH2A-related disorders. Last evaluated: 2018-06-08. Review status: criteria provided, single submitter. Criteria: ACMG Guidelines, 2015. Collection method: clinical testing. Allele origin: germline. Affected: yes. Observed: 1 variant allele.

Literature cited by the submitters: PubMed 16199547 (cited by Labcorp Genetics (formerly Invitae), Labcorp); PubMed 10729113 (cited by Labcorp Genetics (formerly Invitae), Labcorp); PubMed 10909849 (cited by Labcorp Genetics (formerly Invitae), Labcorp); PubMed 20507924 (cited by Labcorp Genetics (formerly Invitae), Labcorp); PubMed 25649381 (cited by Labcorp Genetics (formerly Invitae), Labcorp); PubMed 17085681 (cited by Labcorp Genetics (formerly Invitae), Labcorp); PubMed 20497194 (cited by Labcorp Genetics (formerly Invitae), Labcorp).